The following is an entry in ClinVar:

NM_001009999.3(KDM1A):c.954_955del (p.Ser319fs)

Gene: KDM1A (lysine demethylase 1A; plus strand). Cytogenetic location: 1p36.12.
Variant type: Deletion.
Coding change: c.954_955del on transcript NM_001009999.3 (MANE Select); coding-DNA positions 954 to 955, 2 bases deleted (AA; older notation c.954_955delAA).
Protein change: p.Ser319fs; shifts the reading frame from serine 319.
Molecular consequence: frameshift variant.
Genome position (GRCh38, 1-based): chr1:23,056,002-23,056,003, AA deleted; deleting any 2 consecutive bases within chr1:23,056,001-23,056,003 gives the same sequence; the c. name uses the placement nearest the transcript's 3' end. VCF-style (leftmost placement, unchanged base first): chr1-23056000-CAA-C. GRCh37 (hg19) VCF-style: chr1-23382493-CAA-C.
Other names: c.954_955delAA (NM_001009999.3); c.894_895del, p.Ser299fs (NM_001363654.2, NM_001410763.1, NM_015013.4); c.954_955del, p.Ser319fs (NM_001410762.1); short protein forms S299fs, S319fs.
Identifiers: ClinVar variation 2637430 (VCV002637430.1), dbSNP rs2522694876, ClinGen allele CA2644024534.
Genomic context (GRCh38, chr1:23,056,000, plus strand): 5'-ACAGGAAAGGTAATTATTATAGGCTCTGGGGTCTCAGGCTTGGCAGCAGCTCGACAGTTA[CAA>C]AGTTTTGGAATGGATGTCACACTTTTGGAAGCCAGGGTAAGAATTTCATTTTGAGTTTAG-3'

ClinVar aggregate classification (germline): Uncertain significance (1 of 4 stars; one submission).

Submission:

Women's Health and Genetics/Laboratory Corporation of America, LabCorp
Classification: Uncertain significance. Last evaluated: 2023-10-24. Review status: criteria provided, single submitter. Criteria: LabCorp Variant Classification Summary - May 2015. Collection method: clinical testing. Allele origin: germline.
Comment: Variant summary: AOF2 (KDM1A) c.954_955delAA (p.Ser319PhefsX29) results in a premature termination codon, predicted to cause a truncation of the encoded protein or absence of the protein due to nonsense mediated decay, however current evidence is not sufficient to establish loss-of-function variants in AOF2 as causative of disease. The variant was absent in 251278 control chromosomes (gnomAD). The available data on variant occurrences in the general population are insufficient to allow any conclusion about variant significance. To our knowledge, no occurrence of c.954_955delAA in individuals affected with Palatal Anomalies-Widely Spaced Teeth-Facial Dysmorphism-Developmental Delay Syndrome and no experimental evidence demonstrating its impact on protein function have been reported. No submitters have cited clinical-significance assessments for this variant to ClinVar after 2014. Based on the evidence outlined above, the variant was classified as uncertain significance.